The following is an entry in ClinVar:

ClinVar aggregate classification (germline): Pathogenic. Review status: criteria provided, multiple submitters, no conflicts (2 of 4 stars). 4 submissions from 4 submitters: Pathogenic (3). 1 of the submissions does not count toward it. Last evaluated 2026-03-10.

Conditions:
PKD1L1-related disorder. Also called: PKD1L1-related condition.
Heterotaxy, visceral, 8, autosomal (HTX8). Identifiers: MedGen C4310668, MONDO:0014967, OMIM 617205.

Allele frequency attached by ClinVar (database versions not stated): gnomAD exomes 0.00002 and 0.00004; ExAC 0.00003; gnomAD 0.00007 and 0.00009; TOPMed 0.00007; ESP Exome Variant Server 0.00015.
gnomAD v4.1: 43 of 1,613,920 alleles (0.0027%); highest among the groups gnomAD compares: South Asian, 0.026%; no homozygotes.

Submissions (4):

PreventionGenetics, part of Exact Sciences
Classification: Pathogenic for PKD1L1-related condition. Last evaluated: 2026-03-10. Review status: criteria provided, single submitter. Criteria: ACMG Guidelines, 2015. Collection method: clinical testing. Allele origin: germline.
Comment: The PKD1L1 c.8005C>T variant is predicted to result in premature protein termination (p.Arg2669*). This variant has been reported in the compound heterozygous state in two fetuses with nonimmune hydrops, congenital heart disease, situs inversus, and heterotaxy (Correa et al. 2021. PubMed ID: 33655537) and in the homozygous state in an infant with situs inversus totalis, dextrocardia, a moderate atrial septal defect, and mild left pulmonary artery stenosis (Rodriguez et al. 2019. PubMed ID: 30791085). This variant is reported in 0.032% of alleles in individuals of African descent in gnomAD. Nonsense variants in PKD1L1 are expected to be pathogenic. This variant is interpreted as pathogenic.

Dasa
Classification: Pathogenic. Last evaluated: 2025-11-27. Review status: criteria provided, single submitter. Criteria: DASA Assertion Criteria. Collection method: clinical testing. Allele origin: germline.
Comment: NM_138295.5(PKD1L1):c.8005C>T (p.Arg2669*) introduces a premature termination codon predicted to result in loss of normal protein function. Loss-of-function is an established mechanism of disease for this gene. This variant has been observed in affected individuals with related phenotype in a genotype context consistent with recessive disease (PMID: 30791085; PMID: 33655537). This variant has been recurrently observed in individuals with related phenotype (PMID: 30791085; PMID: 33655537). The variant is present at low frequency in population datasets. Based on the available data, this variant is classified as pathogenic.

Labcorp Genetics (formerly Invitae), Labcorp
Classification: Pathogenic. Last evaluated: 2025-09-09. Review status: criteria provided, single submitter. Criteria: Invitae Variant Classification Sherloc (09022015). Collection method: clinical testing. Allele origin: germline.
Comment: This sequence change creates a premature translational stop signal (p.Arg2669*) in the PKD1L1 gene. It is expected to result in an absent or disrupted protein product. Loss-of-function variants in PKD1L1 are known to be pathogenic (PMID: 27616478). This variant is present in population databases (rs137883370, gnomAD 0.03%). This premature translational stop signal has been observed in individual(s) with clinical features of PKD1L1-related conditions (PMID: 30791085, 33655537). ClinVar contains an entry for this variant (Variation ID: 1686969). Algorithms developed to predict the effect of sequence changes on RNA splicing suggest that this variant may disrupt the consensus splice site. For these reasons, this variant has been classified as Pathogenic.

OMIM
Classification: Pathogenic for HETEROTAXY, VISCERAL, 8, AUTOSOMAL. Last evaluated: 2023-05-12. Review status: no assertion criteria provided. Collection method: literature only. Allele origin: germline. Not counted in ClinVar's aggregate classification.

Literature cited by the submitters: PubMed 30791085 (cited by 3 submitters); PubMed 33655537 (cited by Dasa and Labcorp Genetics (formerly Invitae), Labcorp); PubMed 27616478 (cited by Labcorp Genetics (formerly Invitae), Labcorp).

NM_138295.5(PKD1L1):c.8005C>T (p.Arg2669Ter)

Genes: PKD1L1 (polycystin 1 like 1, transient receptor potential channel interacting; minus strand), PKD1L1-AS1 (PKD1L1 antisense RNA 1; plus strand). Cytogenetic location: 7p12.3.
Variant type: single nucleotide variant.
Coding change: c.8005C>T on transcript NM_138295.5 (MANE Select); coding-DNA position 8005, C replaced by T.
Protein change: p.Arg2669Ter; replaces arginine 2669 with a stop codon.
Molecular consequence: nonsense.
Genome position (GRCh38, 1-based): chr7:47,800,837, G>A on the plus strand (C>T on the coding strand, the complement: PKD1L1 is on the minus strand). VCF-style: chr7-47800837-G-A. GRCh37 (hg19) VCF-style: chr7-47840435-G-A.
Other names: short protein forms R2669*.
Identifiers: ClinVar variation 1686969 (VCV001686969.7), dbSNP rs137883370, ClinGen allele CA4251842.